The following is an entry in ClinVar:

ClinVar aggregate classification (germline): Uncertain significance (1 of 4 stars; one submission).

Allele frequency attached by ClinVar (database versions not stated): gnomAD exomes below 0.00001.
gnomAD v4.1: 1 of 1,614,088 alleles (0.000062%); highest among the groups gnomAD compares: Non-Finnish European, 0.000085%; no homozygotes.

Submission:

GeneDx
Classification: Uncertain significance. Last evaluated: 2023-03-01. Review status: criteria provided, single submitter. Criteria: GeneDx Variant Classification Process June 2021. Collection method: clinical testing. Allele origin: germline. Affected: yes.
Comment: Not observed at significant frequency in large population cohorts (gnomAD); In silico analysis supports that this missense variant has a deleterious effect on protein structure/function; Has not been previously published as pathogenic or benign to our knowledge

NM_001851.6(COL9A1):c.1508A>G (p.Asp503Gly)

Gene: COL9A1 (collagen type IX alpha 1 chain; minus strand). Cytogenetic location: 6q13.
Variant type: single nucleotide variant.
Coding change: c.1508A>G on transcript NM_001851.6 (MANE Select); coding-DNA position 1508, A replaced by G.
Protein change: p.Asp503Gly; replaces aspartic acid 503 with glycine.
Molecular consequence: missense variant. On other transcripts: non-coding transcript variant (1).
Genome position (GRCh38, 1-based): chr6:70,255,386, T>C on the plus strand (A>G on the coding strand, the complement: COL9A1 is on the minus strand). VCF-style: chr6-70255386-T-C. GRCh37 (hg19) VCF-style: chr6-70965089-T-C.
Other names: c.779A>G, p.Asp260Gly (NM_001377289.1, NM_001377290.1, NM_078485.4); short protein forms D260G, D503G.
Identifiers: ClinVar variation 2578230 (VCV002578230.1), dbSNP rs2483319799, ClinGen allele CA364678033.